The following is an entry in ClinVar:

ClinVar aggregate classification (germline): Conflicting classifications of pathogenicity. Review status: criteria provided, conflicting classifications (1 of 4 stars). 3 submissions from 3 submitters: Uncertain significance (2); Benign (1). Last evaluated 2026-07-31.

Conditions:
Hereditary cancer-predisposing syndrome. Also called: Hereditary Cancer Syndrome; Hereditary neoplastic syndrome; Neoplastic Syndromes, Hereditary; Tumor predisposition. Identifiers: Orphanet 140162, MedGen C0027672, MeSH D009386, MONDO:0015356.
Familial cancer of breast. Also called: BREAST CANCER, FAMILIAL; Hereditary breast cancer; hereditary breast carcinoma. Identifiers: Orphanet 227535, MedGen C0346153, MONDO:0016419, OMIM 114480. Disease mechanism: loss of function.
Ataxia-telangiectasia syndrome (AT). Also called: LOUIS-BAR SYNDROME; Cerebello-oculocutaneous telangiectasia; Immunodeficiency with ataxia telangiectasia; Ataxia-telangiectasia, complementation group E; Ataxia-telangiectasia, complementation group D; Ataxia telangiectasia (A-T). Identifiers: Orphanet 100, MedGen C0004135, MONDO:0008840, OMIM 208900.

Submissions (3):

Ambry Genetics
Classification: Uncertain significance for Hereditary cancer-predisposing syndrome. Last evaluated: 2026-07-31. Review status: criteria provided, single submitter. Criteria: Ambry Variant Classification Scheme 2023. Collection method: clinical testing. Allele origin: germline.
Comment: The c.5283G>A variant (also known as p.L1761L), located in coding exon 34 of the ATM gene, results from a G to A substitution at nucleotide position 5283. This nucleotide substitution does not change the amino acid at codon 1761. This nucleotide position is well conserved in available vertebrate species. In silico splice site analysis predicts that this alteration may weaken the native splice donor site. RNA studies have demonstrated that this variant results in a splice defect; the clinical impact of this abnormal splicing is unknown at this time (Ambry internal data). Based on the available evidence, the clinical significance of this variant remains unclear.

Labcorp Genetics (formerly Invitae), Labcorp
Classification: Uncertain significance for Ataxia-telangiectasia syndrome. Last evaluated: 2024-10-29. Review status: criteria provided, single submitter. Criteria: Invitae Variant Classification Sherloc (09022015). Collection method: clinical testing. Allele origin: germline.
Comment: This sequence change affects codon 1761 of the ATM mRNA. It is a 'silent' change, meaning that it does not change the encoded amino acid sequence of the ATM protein. This variant is not present in population databases (gnomAD no frequency). This variant has not been reported in the literature in individuals affected with ATM-related conditions. ClinVar contains an entry for this variant (Variation ID: 1746581). Algorithms developed to predict the effect of sequence changes on RNA splicing suggest that this variant may disrupt the consensus splice site. In summary, the available evidence is currently insufficient to determine the role of this variant in disease. Therefore, it has been classified as a Variant of Uncertain Significance.

Myriad Genetics, Inc.
Classification: Benign for Familial cancer of breast. Last evaluated: 2024-05-22. Review status: criteria provided, single submitter. Criteria: Myriad Autosomal Dominant, Autosomal Recessive and X-Linked Classification Criteria (2023). Collection method: clinical testing. Allele origin: unknown.
Comment: This variant is considered benign. This variant is a silent/synonymous amino acid change and it is not expected to impact splicing.

NM_000051.4(ATM):c.5283G>A (p.Leu1761=)

Gene: ATM (ATM serine/threonine kinase; plus strand). Cytogenetic location: 11q22.3.
Variant type: single nucleotide variant.
Coding change: c.5283G>A on transcript NM_000051.4 (MANE Select); coding-DNA position 5283, G replaced by A.
Protein change: p.Leu1761=; no amino-acid change (leucine 1761 retained).
Molecular consequence: synonymous variant.
Genome position (GRCh38, 1-based): chr11:108,301,753, G>A. VCF-style: chr11-108301753-G-A. GRCh37 (hg19) VCF-style: chr11-108172480-G-A.
Other names: c.5283G>A, p.Leu1761= (NM_001351834.2).
Identifiers: ClinVar variation 1746581 (VCV001746581.7), dbSNP rs2546973895, ClinGen allele CA476674811.
Genomic context (GRCh38, chr11:108,301,753, plus strand): 5'-AGCCACAAAGACTGGACATAGTTTCTGGGAGATTTATAAGATGACAACAGATCCAATGCT[G>A]GCCTATCTACAGCCTTTTAGAACATCAAGAAAAAAGGTCTCTTAAGTAATAAATGTTTAT-3'
Protein context (NP_000042.3, residues 1751-1771): EIYKMTTDPM[Leu1761=]AYLQPFRTSR